The following is an entry in ClinVar:

ClinVar aggregate classification (germline): Conflicting classifications of pathogenicity. Review status: criteria provided, conflicting classifications (1 of 4 stars). 11 submissions from 8 submitters: Uncertain significance (1); Benign (7); Likely benign (3). Last evaluated 2026-02-01.

Conditions:
Cardiovascular phenotype. Identifiers: MedGen CN230736.
Cardiac arrhythmia. Also called: Arrhythmia; Cardiac rhythm disease. Identifiers: MedGen C0003811, MONDO:0007263, HP:0011675.
Long QT syndrome (LQTS). Identifiers: MedGen C0023976, MeSH D008133, MONDO:0002442. Disease mechanism: loss of function. Inheritance: Various modes of inheritance.
Long QT syndrome 1 (LQT1). Identifiers: Orphanet 101016, Orphanet 768, MedGen C4551647, MONDO:0100316, OMIM 192500, MONDO:0008646.
Short QT syndrome type 2. Identifiers: Orphanet 51083, MedGen C1865019, MONDO:0012313, OMIM 609621.
Jervell and Lange-Nielsen syndrome 1 (JLNS1). Also called: PROLONGED QT INTERVAL IN EKG AND SUDDEN DEATH; SURDO-CARDIAC SYNDROME; CARDIOAUDITORY SYNDROME OF JERVELL AND LANGE-NIELSEN; DEAFNESS, CONGENITAL, AND FUNCTIONAL HEART DISEASE. Identifiers: Orphanet 768, Orphanet 90647, MedGen C4551509, MONDO:0024540, OMIM 220400.
Atrial fibrillation, familial, 3 (ATFB3). Identifiers: MedGen C1837014, MONDO:0011857, OMIM 607554.

Allele frequency attached by ClinVar (database versions not stated): gnomAD 0.00003 and 0.00005; gnomAD exomes 0.00017; TOPMed 0.00017; ExAC 0.00021; 1000 Genomes Project 30x 0.00062; 1000 Genomes Project 0.00080.

Submissions (11):

CeGaT Center for Human Genetics Tuebingen
Classification: Likely benign. Last evaluated: 2026-02-01. Review status: criteria provided, single submitter. Criteria: CeGaT Center For Human Genetics Tuebingen Variant Classification Criteria Version 2. Collection method: clinical testing. Allele origin: germline. Affected: yes. Observed: 1 variant allele.
Comment: KCNQ1: BP4, BP7

Labcorp Genetics (formerly Invitae), Labcorp
Classification: Benign for Long QT syndrome. Last evaluated: 2025-12-24. Review status: criteria provided, single submitter. Criteria: Invitae Variant Classification Sherloc (09022015). Collection method: clinical testing. Allele origin: germline.

All of Us Research Program, National Institutes of Health
Classification: Benign for Long QT syndrome. Last evaluated: 2024-01-11. Review status: criteria provided, single submitter. Criteria: ACMG Guidelines, 2015. Collection method: clinical testing. Allele origin: germline. Inheritance: Autosomal dominant inheritance. Observed: 13 variant alleles, 13 heterozygotes.
Comment: This study involves interpretation of variants in research participants for the purpose of population health screening. Participant phenotype was not available at the time of variant classification. Additional details can be found in publication PMID: 35346344, PMCID: PMC8962531

Blueprint Genetics
Classification: Likely benign. Last evaluated: 2023-11-13. Review status: criteria provided, single submitter. Criteria: ACMG Guidelines, 2015. Collection method: clinical testing. Allele origin: germline.

Ambry Genetics
Classification: Likely benign for Cardiovascular phenotype. Last evaluated: 2023-11-06. Review status: criteria provided, single submitter. Criteria: Ambry Variant Classification Scheme 2023. Collection method: clinical testing. Allele origin: germline.

Color Diagnostics, LLC DBA Color Health
Classification: Benign for Arrhythmia. Last evaluated: 2018-11-21. Review status: criteria provided, single submitter. Criteria: ACMG Guidelines, 2015. Collection method: clinical testing. Allele origin: germline.

Illumina Laboratory Services, Illumina
Classification: Benign for Jervell and Lange-Nielsen syndrome 1. Last evaluated: 2017-04-27. Review status: criteria provided, single submitter. Criteria: ICSL Variant Classification Criteria 13 December 2019. Collection method: clinical testing. Allele origin: germline.
Comment: This variant was observed as part of a predisposition screen in an ostensibly healthy population. A literature search was performed for the gene, cDNA change, and amino acid change (where applicable). No publications were found based on this search. Allele frequency data from public databases was too high to be consistent with this variant causing disease. Therefore, this variant is classified as benign.

Illumina Laboratory Services, Illumina
Classification: Benign for Long QT syndrome 1. Last evaluated: 2017-04-27. Review status: criteria provided, single submitter. Criteria: ICSL Variant Classification Criteria 13 December 2019. Collection method: clinical testing. Allele origin: germline.
Comment: This variant was observed as part of a predisposition screen in an ostensibly healthy population. A literature search was performed for the gene, cDNA change, and amino acid change (where applicable). Publications were found based on this search. The evidence from the literature, in combination with allele frequency data from public databases where available, was sufficient to rule this variant out of causing disease. Therefore, this variant is classified as benign.

Illumina Laboratory Services, Illumina
Classification: Benign for Short QT syndrome type 2. Last evaluated: 2017-04-27. Review status: criteria provided, single submitter. Criteria: ICSL Variant Classification Criteria 13 December 2019. Collection method: clinical testing. Allele origin: germline.
Comment: the same text as in the submission from Illumina Laboratory Services, Illumina above.

Illumina Laboratory Services, Illumina
Classification: Uncertain significance for Atrial fibrillation, familial, 3. Last evaluated: 2017-04-27. Review status: criteria provided, single submitter. Criteria: ICSL Variant Classification Criteria 13 December 2019. Collection method: clinical testing. Allele origin: germline.

GeneDx
Classification: Benign. Last evaluated: 2013-03-19. Review status: criteria provided, single submitter. Criteria: GeneDx Variant Classification (06012015). Collection method: clinical testing. Allele origin: germline. Affected: yes.
Comment: This variant is considered likely benign or benign based on one or more of the following criteria: it is a conservative change, it occurs at a poorly conserved position in the protein, it is predicted to be benign by multiple in silico algorithms, and/or has population frequency not consistent with disease.

Literature cited by the submitters: PubMed 23890619 (cited by Illumina Laboratory Services, Illumina); PubMed 16487223 (cited by Illumina Laboratory Services, Illumina).

NM_000218.3(KCNQ1):c.1944C>T (p.Val648=)

Genes: KCNQ1-AS1 (KCNQ1 antisense RNA 1; minus strand), KCNQ1 (potassium voltage-gated channel subfamily Q member 1; plus strand). Cytogenetic location: 11p15.4.
Variant type: single nucleotide variant.
Coding change: c.1944C>T on transcript NM_000218.3 (MANE Select); coding-DNA position 1944, C replaced by T.
Protein change: p.Val648=; no amino-acid change (valine 648 retained).
Molecular consequence: synonymous variant.
Genome position (GRCh38, 1-based): chr11:2,847,916, C>T. VCF-style: chr11-2847916-C-T. GRCh37 (hg19) VCF-style: chr11-2869146-C-T.
Other names: p.V648V:GTC>GTT; c.1848C>T, p.Val616= (NM_001406836.1); c.1674C>T, p.Val558= (NM_001406837.1); c.1404C>T, p.Val468= (NM_001406838.1); c.456C>T, p.Val152= (NM_001406839.1); c.1563C>T, p.Val521= (NM_181798.2).
Identifiers: ClinVar variation 138008 (VCV000138008.27), dbSNP rs201698592, ClinGen allele CA006611.
Genomic context (GRCh38, chr11:2,847,916, plus strand): 5'-CGGCCCCCCCAGAGAGGGCGGGGCCCACATCACCCAGCCCTGCGGCAGTGGCGGCTCCGT[C>T]GACCCTGAGCTCTTCCTGCCCAGCAACACCCTGCCCACCTACGAGCAGCTGACCGTGCCC-3'
Protein context (NP_000209.2, residues 638-658): ITQPCGSGGS[Val648=]DPELFLPSNT